The following is an entry in ClinVar:

NM_002454.3(MTRR):c.*644A>G

Gene: MTRR (5-methyltetrahydrofolate-homocysteine methyltransferase reductase; plus strand). Cytogenetic location: 5p15.31.
Variant type: single nucleotide variant.
Coding change: c.*644A>G on transcript NM_002454.3 (MANE Select); 644 bases downstream of the stop codon, A replaced by G.
Molecular consequence: 3 prime UTR variant. On other transcripts: non-coding transcript variant (14).
Genome position (GRCh38, 1-based): chr5:7,900,702, A>G. VCF-style: chr5-7900702-A-G. GRCh37 (hg19) VCF-style: chr5-7900815-A-G.
Other names: c.*644A>G (NM_001364440.2, NM_001364441.2, NM_001364442.2 and 1 more transcripts).
Identifiers: ClinVar variation 354372 (VCV000354372.5), dbSNP rs9282789, ClinGen allele CA10622331.

ClinVar aggregate classification (germline): Benign (1 of 4 stars; one submission).

Conditions:
Disorders of Intracellular Cobalamin Metabolism. Identifiers: MedGen CN043592.

Allele frequency attached by ClinVar (database versions not stated): 1000 Genomes Project 0.04692; gnomAD 0.04819 and 0.05197; 1000 Genomes Project 30x 0.05262; TOPMed 0.05475.

Submission:

Illumina Laboratory Services, Illumina
Classification: Benign for Disorders of Intracellular Cobalamin Metabolism. Last evaluated: 2018-01-12. Review status: criteria provided, single submitter. Criteria: ICSL Variant Classification Criteria 13 December 2019. Collection method: clinical testing. Allele origin: germline.
Comment: This variant was observed in the ICSL laboratory as part of a predisposition screen in an ostensibly healthy population. It had not been previously curated by ICSL or reported in the Human Gene Mutation Database (HGMD: prior to June 1st, 2018), and was therefore a candidate for classification through an automated scoring system. Utilizing variant allele frequency, disease prevalence and penetrance estimates, and inheritance mode, an automated score was calculated to assess if this variant is too frequent to cause the disease. Based on the score and internal cut-off values, a variant classified as benign is not then subjected to further curation. The score for this variant resulted in a classification of benign for this disease.